The following is an entry in ClinVar:

NM_000062.3(SERPING1):c.1246_1247insGCTCTCAAATCA (p.Leu416delinsCysSerGlnIleMet)

Gene: SERPING1 (serpin family G member 1; plus strand). Cytogenetic location: 11q12.1.
Variant type: Insertion.
Coding change: c.1246_1247insGCTCTCAAATCA on transcript NM_000062.3 (MANE Select); coding-DNA positions 1246 to 1247, GCTCTCAAATCA inserted.
Protein change: p.Leu416delinsCysSerGlnIleMet.
Molecular consequence: inframe indel.
Genome position: GRCh38 VCF-style: chr11-57611933-T-TGCTCTCAAATCA. GRCh37 (hg19) VCF-style: chr11-57379406-T-TGCTCTCAAATCA.
Other names: c.1246_1247insGCTCTCAAATCA, p.Leu416delinsCysSerGlnIleMet (NM_001032295.2).
Identifiers: ClinVar variation 3257747 (VCV003257747.1).

ClinVar aggregate classification (germline): Likely pathogenic (1 of 4 stars; one submission).

Conditions:
Hereditary angioedema type 1 (HAE1). Identifiers: Orphanet 100050, Orphanet 100051, Orphanet 91378, MedGen C2717906, MONDO:0015053, OMIM 106100.

Submission:

DNA-diagnostics Laboratory, Research Centre For Medical Genetics
Classification: Likely pathogenic for Hereditary angioedema type 1. Last evaluated: 2024-07-27. Review status: criteria provided, single submitter. Criteria: ACMG Guidelines, 2015. Collection method: research. Allele origin: germline. Inheritance: Autosomal dominant inheritance. Affected: yes. Observed: 2 variant alleles, 2 heterozygotes. Clinical features observed: Angioedema (HP:0100665), C1 esterase inhibitor deficiency.
Comment: According to our observation the c.1246_1247insGCTCTCAAATCA variant in SERPING1 meets ACMG/ClinGen SVI guidance criteria to be classified as variant of likely pathogenic: PP4 _Str, PM4, PM2_Sup, PP1